The following is an entry in ClinVar:

ClinVar aggregate classification (germline): Uncertain significance (1 of 4 stars; one submission).

Conditions:
Jeune thoracic dystrophy. Also called: Jeune syndrome; Infantile thoracic dystrophy; Thoracic pelvic phalangeal dystrophy; Jeune's syndrome; Chondroectodermal dysplasia-like syndrome; Short-rib thoracic dysplasia. Identifiers: Orphanet 474, MedGen C0265275, MONDO:0018770.

Allele frequency attached by ClinVar (database versions not stated): TOPMed 0.00001; ExAC 0.00004.
gnomAD v4.1: 7 of 1,532,892 alleles (0.00046%); highest among the groups gnomAD compares: Admixed American, 0.014%; no homozygotes.

Submission:

Labcorp Genetics (formerly Invitae), Labcorp
Classification: Uncertain significance for Jeune thoracic dystrophy. Last evaluated: 2022-05-20. Review status: criteria provided, single submitter. Criteria: Invitae Variant Classification Sherloc (09022015). Collection method: clinical testing. Allele origin: germline.
Comment: In summary, the available evidence is currently insufficient to determine the role of this variant in disease. Therefore, it has been classified as a Variant of Uncertain Significance. Advanced modeling of protein sequence and biophysical properties (such as structural, functional, and spatial information, amino acid conservation, physicochemical variation, residue mobility, and thermodynamic stability) performed at Invitae indicates that this missense variant is not expected to disrupt DYNC2H1 protein function. This variant has not been reported in the literature in individuals affected with DYNC2H1-related conditions. This variant is present in population databases (rs750739414, gnomAD 0.02%). This sequence change replaces lysine, which is basic and polar, with glutamine, which is neutral and polar, at codon 2892 of the DYNC2H1 protein (p.Lys2892Gln).

NM_001377.3(DYNC2H1):c.8674A>C (p.Lys2892Gln)

Gene: DYNC2H1 (dynein cytoplasmic 2 heavy chain 1; plus strand). Cytogenetic location: 11q22.3.
Variant type: single nucleotide variant.
Coding change: c.8674A>C on transcript NM_001377.3 (MANE Select); coding-DNA position 8674, A replaced by C.
Protein change: p.Lys2892Gln; replaces lysine 2892 with glutamine.
Molecular consequence: missense variant.
Genome position (GRCh38, 1-based): chr11:103,211,923, A>C. VCF-style: chr11-103211923-A-C. GRCh37 (hg19) VCF-style: chr11-103082652-A-C.
Other names: c.8674A>C, p.Lys2892Gln (NM_001080463.2); short protein forms K2892Q.
Identifiers: ClinVar variation 2199586 (VCV002199586.4), dbSNP rs750739414, ClinGen allele CA6254499.